The following is an entry in ClinVar:

NM_003906.5(MCM3AP):c.678G>C (p.Leu226Phe)

Gene: MCM3AP (minichromosome maintenance complex component 3 associated protein; minus strand). Cytogenetic location: 21q22.3.
Variant type: single nucleotide variant.
Coding change: c.678G>C on transcript NM_003906.5 (MANE Select); coding-DNA position 678, G replaced by C.
Protein change: p.Leu226Phe; replaces leucine 226 with phenylalanine.
Molecular consequence: missense variant.
Genome position (GRCh38, 1-based): chr21:46,284,609, C>G on the plus strand (G>C on the coding strand, the complement: MCM3AP is on the minus strand). VCF-style: chr21-46284609-C-G. GRCh37 (hg19) VCF-style: chr21-47704523-C-G.
Other names: short protein forms L226F.
Identifiers: ClinVar variation 1917388 (VCV001917388.2), dbSNP rs374667971, ClinGen allele CA321980384.

ClinVar aggregate classification (germline): Uncertain significance (1 of 4 stars; one submission).

Allele frequency attached by ClinVar (database versions not stated): TOPMed below 0.00001; gnomAD 0.00002.

Submission:

Labcorp Genetics (formerly Invitae), Labcorp
Classification: Uncertain significance. Last evaluated: 2022-04-17. Review status: criteria provided, single submitter. Criteria: Invitae Variant Classification Sherloc (09022015). Collection method: clinical testing. Allele origin: germline.
Comment: This sequence change replaces leucine, which is neutral and non-polar, with phenylalanine, which is neutral and non-polar, at codon 226 of the MCM3AP protein (p.Leu226Phe). This variant is not present in population databases (gnomAD no frequency). This variant has not been reported in the literature in individuals affected with MCM3AP-related conditions. Algorithms developed to predict the effect of missense changes on protein structure and function are either unavailable or do not agree on the potential impact of this missense change (SIFT: "Tolerated"; PolyPhen-2: "Probably Damaging"; Align-GVGD: "Class C0"). In summary, the available evidence is currently insufficient to determine the role of this variant in disease. Therefore, it has been classified as a Variant of Uncertain Significance.